The following is an entry in ClinVar:

NM_020461.4(TUBGCP6):c.1799A>G (p.Lys600Arg)

Gene: TUBGCP6 (tubulin gamma complex component 6; minus strand). Cytogenetic location: 22q13.33.
Variant type: single nucleotide variant.
Coding change: c.1799A>G on transcript NM_020461.4 (MANE Select); coding-DNA position 1799, A replaced by G.
Protein change: p.Lys600Arg; replaces lysine 600 with arginine.
Molecular consequence: missense variant.
Genome position (GRCh38, 1-based): chr22:50,226,084, T>C on the plus strand (A>G on the coding strand, the complement: TUBGCP6 is on the minus strand). VCF-style: chr22-50226084-T-C. GRCh37 (hg19) VCF-style: chr22-50664513-T-C.
Other names: short protein forms K600R.
Identifiers: ClinVar variation 942153 (VCV000942153.9), dbSNP rs755707832, ClinGen allele CA10308512.

ClinVar aggregate classification (germline): Uncertain significance (1 of 4 stars; one submission).

Allele frequency attached by ClinVar (database versions not stated): TOPMed below 0.00001; gnomAD exomes 0.00001 and 0.00002; ExAC 0.00002.
gnomAD v4.1: 3 of 1,614,168 alleles (0.00019%); highest among the groups gnomAD compares: East Asian, 0.0067%; no homozygotes.

Submission:

Labcorp Genetics (formerly Invitae), Labcorp
Classification: Uncertain significance. Last evaluated: 2022-06-20. Review status: criteria provided, single submitter. Criteria: Invitae Variant Classification Sherloc (09022015). Collection method: clinical testing. Allele origin: germline.
Comment: In summary, the available evidence is currently insufficient to determine the role of this variant in disease. Therefore, it has been classified as a Variant of Uncertain Significance. Algorithms developed to predict the effect of missense changes on protein structure and function are either unavailable or do not agree on the potential impact of this missense change (SIFT: "Tolerated"; PolyPhen-2: "Probably Damaging"; Align-GVGD: "Class C0"). ClinVar contains an entry for this variant (Variation ID: 942153). This variant has not been reported in the literature in individuals affected with TUBGCP6-related conditions. This variant is present in population databases (rs755707832, gnomAD 0.02%). This sequence change replaces lysine, which is basic and polar, with arginine, which is basic and polar, at codon 600 of the TUBGCP6 protein (p.Lys600Arg).